The following is an entry in ClinVar:

ClinVar aggregate classification (germline): Uncertain significance. Review status: criteria provided, multiple submitters, no conflicts (2 of 4 stars). 3 submissions from 3 submitters: Uncertain significance (2). 1 of the submissions does not count toward it. Last evaluated 2024-12-10.

Conditions:
Inborn genetic diseases. Identifiers: MedGen C0950123, MeSH D030342.
Autosomal recessive nonsyndromic hearing loss 77. Identifiers: Orphanet 90636, MedGen C2746083, MONDO:0013119, OMIM 613079.

Allele frequency attached by ClinVar (database versions not stated): gnomAD 0.00002; gnomAD exomes 0.00002; TOPMed 0.00002.
gnomAD v4.1: 50 of 1,551,510 alleles (0.0032%); highest among the groups gnomAD compares: Non-Finnish European, 0.0042%; no homozygotes.

Submissions (3):

Ambry Genetics
Classification: Uncertain significance for Inborn genetic diseases. Last evaluated: 2024-12-10. Review status: criteria provided, single submitter. Criteria: Ambry Variant Classification Scheme 2023. Collection method: clinical testing. Allele origin: germline.

Laboratory for Molecular Medicine, Mass General Brigham Personalized Medicine
Classification: Uncertain significance. Last evaluated: 2015-09-14. Review status: criteria provided, single submitter. Criteria: LMM Criteria. Collection method: clinical testing. Allele origin: germline. Observed: 1 variant allele.
Comment: The p.Asp31His variant in LOXHD1 has not been previously reported in individuals with hearing loss. Data from large population studies is insufficient to assess the frequency of this variant. Computational prediction tools and conservation analysis do not provide strong support for or against an impact to the protein. In summary, the clinical significance of the p.Asp31His variant is uncertain.

Natera, Inc.
Classification: Uncertain significance for Autosomal recessive deafness type 77. Last evaluated: 2019-10-28. Review status: no assertion criteria provided. Collection method: clinical testing. Allele origin: germline. Not counted in ClinVar's aggregate classification.

NM_001384474.1(LOXHD1):c.91G>C (p.Asp31His)

Gene: LOXHD1 (lipoxygenase homology PLAT domains 1; minus strand). Cytogenetic location: 18q21.1.
Variant type: single nucleotide variant.
Coding change: c.91G>C on transcript NM_001384474.1 (MANE Select); coding-DNA position 91, G replaced by C.
Protein change: p.Asp31His; replaces aspartic acid 31 with histidine.
Molecular consequence: missense variant.
Genome position (GRCh38, 1-based): chr18:46,656,943, C>G on the plus strand (G>C on the coding strand, the complement: LOXHD1 is on the minus strand). VCF-style: chr18-46656943-C-G. GRCh37 (hg19) VCF-style: chr18-44236906-C-G.
Other names: c.91G>C, p.Asp31His (NM_144612.7); short protein forms D31H.
Identifiers: ClinVar variation 228833 (VCV000228833.6), dbSNP rs876657862, ClinGen allele CA10577091.